The following is an entry in ClinVar:

NM_000257.4(MYH7):c.5723A>T (p.Glu1908Val)

Gene: MYH7 (myosin heavy chain 7; minus strand). Cytogenetic location: 14q11.2.
Variant type: single nucleotide variant.
Coding change: c.5723A>T on transcript NM_000257.4 (MANE Select); coding-DNA position 5723, A replaced by T.
Protein change: p.Glu1908Val; replaces glutamic acid 1908 with valine.
Molecular consequence: missense variant.
Genome position (GRCh38, 1-based): chr14:23,413,826, T>A on the plus strand (A>T on the coding strand, the complement: MYH7 is on the minus strand). VCF-style: chr14-23413826-T-A. GRCh37 (hg19) VCF-style: chr14-23883035-T-A.
Other names: short protein forms E1908V.
Identifiers: ClinVar variation 853516 (VCV000853516.9), dbSNP rs1892070240, ClinGen allele CA389034608.
Genomic context (GRCh38, chr14:23,413,826, plus strand): 5'-CCAATGTCACGGCTCTTGGCCCGCAGCTTGTTGACCTGGGACTCGGCGATGTCCGCCCGC[T>A]CCTCTGCCTCATCCAGCTCGTGCTGCACCTTGCGGAACTTGGACAGGTTGGTGTTGGCTT-3'
Protein context (NP_000248.2, residues 1898-1918): KVQHELDEAE[Glu1908Val]RADIAESQVN

ClinVar aggregate classification (germline): Uncertain significance (1 of 4 stars; one submission).

Conditions:
Hypertrophic cardiomyopathy. Also called: HYPERTROPHIC MYOCARDIOPATHY. Identifiers: Orphanet 217569, MedGen C0007194, MeSH D002312, MONDO:0005045, HP:0001639.

Submission:

Labcorp Genetics (formerly Invitae), Labcorp
Classification: Uncertain significance for Hypertrophic cardiomyopathy. Last evaluated: 2022-07-06. Review status: criteria provided, single submitter. Criteria: Invitae Variant Classification Sherloc (09022015). Collection method: clinical testing. Allele origin: germline.
Comment: This sequence change replaces glutamic acid, which is acidic and polar, with valine, which is neutral and non-polar, at codon 1908 of the MYH7 protein (p.Glu1908Val). This variant is not present in population databases (gnomAD no frequency). This variant has not been reported in the literature in individuals affected with MYH7-related conditions. ClinVar contains an entry for this variant (Variation ID: 853516). Algorithms developed to predict the effect of missense changes on protein structure and function are either unavailable or do not agree on the potential impact of this missense change (SIFT: "Deleterious"; PolyPhen-2: "Probably Damaging"; Align-GVGD: "Class C0"). Algorithms developed to predict the effect of sequence changes on RNA splicing suggest that this variant may create or strengthen a splice site. In summary, the available evidence is currently insufficient to determine the role of this variant in disease. Therefore, it has been classified as a Variant of Uncertain Significance.